The following is an entry in ClinVar:

ClinVar aggregate classification (germline): Uncertain significance. Review status: criteria provided, multiple submitters, no conflicts (2 of 4 stars). 5 submissions from 5 submitters: Uncertain significance (5). Last evaluated 2025-07-23.

Conditions:
RAX2-related disorder. Also called: RAX2-related disorders; RAX2-related condition.
Retinitis pigmentosa 95. Identifiers: MedGen C5774244, MONDO:0859308, OMIM 620102.

Allele frequency attached by ClinVar (database versions not stated): ExAC 0.00005.
gnomAD v4.1: 20 of 1,610,636 alleles (0.0012%); highest among the groups gnomAD compares: Admixed American, 0.013%; no homozygotes.

Submissions (5):

PreventionGenetics, part of Exact Sciences
Classification: Uncertain significance for RAX2-related condition. Last evaluated: 2025-07-23. Review status: criteria provided, single submitter. Criteria: ACMG Guidelines, 2015. Collection method: clinical testing. Allele origin: germline.
Comment: The RAX2 c.169C>T variant is predicted to result in the amino acid substitution p.Arg57Cys. To our knowledge, this variant has not been reported in the literature. This variant is reported in 0.020% of alleles in individuals of Latino descent in gnomAD. At this time, the clinical significance of this variant is uncertain due to the absence of conclusive functional and genetic evidence.

Ambry Genetics
Classification: Uncertain significance. Last evaluated: 2025-04-03. Review status: criteria provided, single submitter. Criteria: Ambry Variant Classification Scheme 2023. Collection method: clinical testing. Allele origin: germline.

Blueprint Genetics
Classification: Uncertain significance. Last evaluated: 2024-09-02. Review status: criteria provided, single submitter. Criteria: ACMG Guidelines, 2015. Collection method: clinical testing. Allele origin: germline.

Labcorp Genetics (formerly Invitae), Labcorp
Classification: Uncertain significance. Last evaluated: 2024-05-09. Review status: criteria provided, single submitter. Criteria: Invitae Variant Classification Sherloc (09022015). Collection method: clinical testing. Allele origin: germline.
Comment: This sequence change replaces arginine, which is basic and polar, with cysteine, which is neutral and slightly polar, at codon 57 of the RAX2 protein (p.Arg57Cys). This variant is present in population databases (rs765285304, gnomAD 0.02%). This variant has not been reported in the literature in individuals affected with RAX2-related conditions. ClinVar contains an entry for this variant (Variation ID: 1041028). Algorithms developed to predict the effect of missense changes on protein structure and function output the following: SIFT: "Not Available"; PolyPhen-2: "Probably Damaging"; Align-GVGD: "Not Available". The cysteine amino acid residue is found in multiple mammalian species, which suggests that this missense change does not adversely affect protein function. In summary, the available evidence is currently insufficient to determine the role of this variant in disease. Therefore, it has been classified as a Variant of Uncertain Significance.

3billion
Classification: Uncertain significance for Retinitis pigmentosa 95. Last evaluated: 2023-08-28. Review status: criteria provided, single submitter. Criteria: ACMG Guidelines, 2015. Collection method: clinical testing. Allele origin: germline. Affected: yes.
Comment: The variant is observed at an extremely low frequency in the gnomAD v2.1.1 dataset (total allele frequency: 0.004%). Predicted Consequence/Location: Missense changes are a common disease-causing mechanism. In silico tool predictions suggest damaging effect of the variant on gene or gene product [REVEL: 0.86 (>=0.6, sensitivity 0.68 and specificity 0.92)]. Therefore, this variant is classified as VUS according to the recommendation of ACMG/AMP guideline.

NM_001319074.4(RAX2):c.169C>T (p.Arg57Cys)

Gene: RAX2 (retina and anterior neural fold homeobox 2; minus strand). Cytogenetic location: 19p13.3.
Variant type: single nucleotide variant.
Coding change: c.169C>T on transcript NM_001319074.4 (MANE Select); coding-DNA position 169, C replaced by T.
Protein change: p.Arg57Cys; replaces arginine 57 with cysteine.
Molecular consequence: missense variant.
Genome position (GRCh38, 1-based): chr19:3,771,574, G>A on the plus strand (C>T on the coding strand, the complement: RAX2 is on the minus strand). VCF-style: chr19-3771574-G-A. GRCh37 (hg19) VCF-style: chr19-3771572-G-A.
Other names: c.169C>T, p.Arg57Cys (NM_032753.4); c.169C>T (NM_032753.3); short protein forms R57C.
Identifiers: ClinVar variation 1041028 (VCV001041028.10), dbSNP rs765285304, ClinGen allele CA9085097.